The following is an entry in ClinVar:

ClinVar aggregate classification (germline): Likely benign (1 of 4 stars; one submission).

Allele frequency attached by ClinVar (database versions not stated): gnomAD exomes 0.00160; ESP Exome Variant Server 0.00654; 1000 Genomes Project 0.00879; 1000 Genomes Project 30x 0.01015.
gnomAD v4.1: 1,954 of 1,613,854 alleles (0.12%); highest among the groups gnomAD compares: African/African-American, 2%; 25 homozygotes.

Submission:

GeneDx
Classification: Likely benign. Last evaluated: 2021-05-25. Review status: criteria provided, single submitter. Criteria: GeneDx Variant Classification Process June 2021. Collection method: clinical testing. Allele origin: germline. Affected: yes.
Comment: See Variant Classification Assertion Criteria.

NM_006946.4(SPTBN2):c.2816+22C>T

Gene: SPTBN2 (spectrin beta, non-erythrocytic 2; minus strand). Cytogenetic location: 11q13.2.
Variant type: single nucleotide variant.
Coding change: c.2816+22C>T on transcript NM_006946.4 (MANE Select); 22 bases into the intron after coding-DNA position 2816, C replaced by T.
Molecular consequence: intron variant.
Genome position (GRCh38, 1-based): chr11:66,701,562, G>A on the plus strand (C>T on the coding strand, the complement: SPTBN2 is on the minus strand). VCF-style: chr11-66701562-G-A. GRCh37 (hg19) VCF-style: chr11-66469033-G-A.
Identifiers: ClinVar variation 1683823 (VCV001683823.2), dbSNP rs116441572, ClinGen allele CA6129009.